The following is an entry in ClinVar:

NM_021625.5(TRPV4):c.1482G>A (p.Leu494=)

Gene: TRPV4 (transient receptor potential cation channel subfamily V member 4; minus strand). Cytogenetic location: 12q24.11.
Variant type: single nucleotide variant.
Coding change: c.1482G>A on transcript NM_021625.5 (MANE Select); coding-DNA position 1482, G replaced by A.
Protein change: p.Leu494=; no amino-acid change (leucine 494 retained).
Molecular consequence: synonymous variant.
Genome position (GRCh38, 1-based): chr12:109,794,338, C>T on the plus strand (G>A on the coding strand, the complement: TRPV4 is on the minus strand). VCF-style: chr12-109794338-C-T. GRCh37 (hg19) VCF-style: chr12-110232143-C-T.
Other names: c.1161G>A, p.Leu387= (NM_001177433.2); c.1302G>A, p.Leu434= (NM_147204.3); c.1341G>A, p.Leu447= (NM_001177428.2); c.1380G>A, p.Leu460= (NM_001177431.2).
Identifiers: ClinVar variation 515002 (VCV000515002.36), dbSNP rs143722984, ClinGen allele CA6780230.
Genomic context (GRCh38, chr12:109,794,338, plus strand): 5'-TGGCTCAGCCCAGTGCCTGCCCCAGCCCCTGCCCGGTCCCCGGGCACTCACTGTGCCCTC[C>T]AGCGGCTGGTAGTAGGCGGTGAGAGTGAAGATGACCATGGCACACAGGTAGGAGACCACG-3'
Protein context (NP_067638.3, residues 484-504): IFTLTAYYQP[Leu494=]EGTPPYPYRT

ClinVar aggregate classification (germline): Likely benign. Review status: criteria provided, multiple submitters, no conflicts (2 of 4 stars). 4 submissions from 4 submitters: Likely benign (4). Last evaluated 2025-11-04.

Conditions:
Inborn genetic diseases. Identifiers: MedGen C0950123, MeSH D030342.

Allele frequency attached by ClinVar (database versions not stated): TOPMed below 0.00001; ExAC 0.00001; gnomAD 0.00001; gnomAD exomes 0.00001; ESP Exome Variant Server 0.00008.
gnomAD v4.1: 4 of 1,612,050 alleles (0.00025%); highest among the groups gnomAD compares: Non-Finnish European, 0.00034%; no homozygotes.

Submissions (4):

Athena Diagnostics
Classification: Likely benign. Last evaluated: 2025-11-04. Review status: criteria provided, single submitter. Criteria: Athena Diagnostics Criteria. Collection method: clinical testing. Allele origin: unknown.
Comment: Computational tools yielded predictions that this variant is unlikely to have an effect on normal RNA splicing. This nucleotide position exhibits low evolutionary conservation.

CeGaT Center for Human Genetics Tuebingen
Classification: Likely benign. Last evaluated: 2022-01-01. Review status: criteria provided, single submitter. Criteria: CeGaT Center For Human Genetics Tuebingen Variant Classification Criteria Version 2. Collection method: clinical testing. Allele origin: germline. Affected: yes. Observed: 1 variant allele.

Ambry Genetics
Classification: Likely benign for Inborn genetic diseases. Last evaluated: 2019-07-11. Review status: criteria provided, single submitter. Criteria: Ambry Variant Classification Scheme 2023. Collection method: clinical testing. Allele origin: germline.

GeneDx
Classification: Likely benign. Last evaluated: 2018-01-23. Review status: criteria provided, single submitter. Criteria: GeneDx Variant Classification (06012015). Collection method: clinical testing. Allele origin: germline. Affected: yes.
Comment: This variant is considered likely benign or benign based on one or more of the following criteria: it is a conservative change, it occurs at a poorly conserved position in the protein, it is predicted to be benign by multiple in silico algorithms, and/or has population frequency not consistent with disease.